The following is an entry in ClinVar:

ClinVar aggregate classification (germline): Pathogenic (1 of 4 stars; one submission).

Conditions:
Long QT syndrome 2 (LQT2). Identifiers: Orphanet 101016, Orphanet 768, MedGen C3150943, MONDO:0013367, OMIM 613688.

Submission:

Kids Neuroscience Centre, Sydney Children's Hospitals Network
Classification: Pathogenic for Long QT syndrome 2. Review status: criteria provided, single submitter. Criteria: Bournazos AM et al. (Genet Med 2021). Collection method: clinical testing. Allele origin: paternal, unknown. Inheritance: Autosomal dominant inheritance. Affected: yes and no. Observed: 2 heterozygotes.
Comment: mRNA studies establish the KCNH2 c.2399-28delA variant leads to loss of the long isoforms of KCNH2 from t paternal allele in blood RNA. The mechanism for mis-splicing is likely due to loss of the only available branchpoint adenosine for intron branching, which is required for excision of the intron-9 lariat and ligation of exon 9 and exon 10. There are several pathogenic variants associated with Long QT syndrome reported in Clinvar in exons 10-15 of KCNH2 that affect only the long isoforms of KCNH2. And, loss-of-function variants are a known pathogenetic mechanism in Long QT syndrome. Therefore, haploinsufficiency of long isoforms of KCNH2 due to the c.239928del variant is consistent with the known pathogenetic mechanism in Long QT syndrome.

NM_000238.4(KCNH2):c.2399-28del

Gene: KCNH2 (potassium voltage-gated channel subfamily H member 2; minus strand). Cytogenetic location: 7q36.1.
Variant type: Deletion.
Coding change: c.2399-28del on transcript NM_000238.4 (MANE Select); 28 bases into the intron before coding-DNA position 2399, one base deleted (A; older notation c.2399-28delA).
Molecular consequence: intron variant.
Genome position (GRCh38, 1-based): chr7:150,949,077, T deleted on the plus strand (A on the coding strand, the reverse complement: KCNH2 is on the minus strand). VCF-style (leftmost placement, unchanged base first): chr7-150949076-CT-C. GRCh37 (hg19) VCF-style: chr7-150646164-CT-C.
Other names: c.1379-28del (NM_172057.3).
Identifiers: ClinVar variation 1064605 (VCV001064605.3), dbSNP rs2116941701, ClinGen allele CA2499218795.